The following is an entry in ClinVar:

ClinVar aggregate classification (germline): Conflicting classifications of pathogenicity. Review status: criteria provided, conflicting classifications (1 of 4 stars). 5 submissions from 5 submitters: Likely pathogenic (1); Uncertain significance (2); Benign (1). 1 of the submissions does not count toward it. Last evaluated 2026-04-21.

Conditions:
AUTS2-related disorder. Also called: AUTS2-related condition.
Inborn genetic diseases. Identifiers: MedGen C0950123, MeSH D030342.

Allele frequency attached by ClinVar (database versions not stated): gnomAD exomes below 0.00001; gnomAD 0.00004 and 0.00005; TOPMed 0.00007.
gnomAD v4.1: 14 of 1,605,884 alleles (0.00087%); highest among the groups gnomAD compares: Admixed American, 0.014%; no homozygotes.

Submissions (5):

Women's Health and Genetics/Laboratory Corporation of America, LabCorp
Classification: Uncertain significance. Last evaluated: 2026-04-21. Review status: criteria provided, single submitter. Criteria: LabCorp Variant Classification Summary - May 2015. Collection method: clinical testing. Allele origin: germline.
Comment: Variant summary: AUTS2 c.1717C>T (p.Pro573Ser) results in a non-conservative amino acid change in the encoded protein sequence. Algorithms developed to predict the effect of missense changes on protein structure and function are either unavailable or do not agree on the potential impact of this missense change. The variant was absent in 243068 control chromosomes. The available data on variant occurrences in the general population are insufficient to allow any conclusion about variant significance. To our knowledge, no occurrence of c.1717C>T in individuals affected with AUTS2-related conditions and no experimental evidence demonstrating its impact on protein function have been reported. ClinVar contains an entry for this variant (Variation ID: 1098315). Based on the evidence outlined above, the variant was classified as uncertain significance.

Labcorp Genetics (formerly Invitae), Labcorp
Classification: Benign. Last evaluated: 2025-08-14. Review status: criteria provided, single submitter. Criteria: Invitae Variant Classification Sherloc (09022015). Collection method: clinical testing. Allele origin: germline.

Ambry Genetics
Classification: Uncertain significance for Inborn genetic diseases. Last evaluated: 2024-10-01. Review status: criteria provided, single submitter. Criteria: Ambry Variant Classification Scheme 2023. Collection method: clinical testing. Allele origin: germline.

Genetics Laboratory, UDIAT-Centre Diagnòstic, Hospital Universitari Parc Tauli
Classification: Likely pathogenic. Last evaluated: 2021-04-26. Review status: criteria provided, single submitter. Criteria: Parc Tauli Hospital Assertion Criteria 2021. Collection method: clinical testing. Allele origin: de novo. Inheritance: Autosomal dominant inheritance. Affected: yes. Observed: 1 heterozygote.
Comment: PM2_supporting;PM6_moderate;PP2_supporting;PP3_supporting

PreventionGenetics, part of Exact Sciences
Classification: Uncertain significance for AUTS2-related condition. Last evaluated: 2024-03-05. Review status: no assertion criteria provided. Collection method: clinical testing. Allele origin: germline. Not counted in ClinVar's aggregate classification.
Comment: The AUTS2 c.1717C>T variant is predicted to result in the amino acid substitution p.Pro573Ser. To our knowledge, this variant has not been reported in the literature. This variant has not been reported in gnomAD v2.1.1, but in gnomAD v4.0 there are 14 heterozygotes reported. At this time, the clinical significance of this variant is uncertain due to the absence of conclusive functional and genetic evidence.

NM_015570.4(AUTS2):c.1717C>T (p.Pro573Ser)

Gene: AUTS2 (activator of transcription and developmental regulator AUTS2; plus strand). Cytogenetic location: 7q11.22.
Variant type: single nucleotide variant.
Coding change: c.1717C>T on transcript NM_015570.4 (MANE Select); coding-DNA position 1717, C replaced by T.
Protein change: p.Pro573Ser; replaces proline 573 with serine.
Molecular consequence: missense variant.
Genome position (GRCh38, 1-based): chr7:70,768,051, C>T. VCF-style: chr7-70768051-C-T. GRCh37 (hg19) VCF-style: chr7-70233037-C-T.
Other names: c.1717C>T, p.Pro573Ser (NM_001127231.3); c.1717C>T (NM_015570.3, NM_015570.2); short protein forms P573S.
Identifiers: ClinVar variation 1098315 (VCV001098315.8), dbSNP rs1051952947, ClinGen allele CA160027222.
Genomic context (GRCh38, chr7:70,768,051, plus strand): 5'-AAGTAACTAGCTTTTGCTTTGATCCCTTTACAGTTTGACAAATACCCTACAAAAGTTGAC[C>T]CATTCTACCGGCACAGTGTGAGTTTCATTACCATGCTACACATTGAATGTAACTGCTTTG-3'
Protein context (NP_056385.1, residues 563-583): MFDKYPTKVD[Pro573Ser]FYRHSLFHSY